The following is an entry in ClinVar:

NM_001374259.2(IL12RB2):c.226A>G (p.Arg76Gly)

Gene: IL12RB2 (interleukin 12 receptor subunit beta 2; plus strand). Cytogenetic location: 1p31.3.
Variant type: single nucleotide variant.
Coding change: c.226A>G on transcript NM_001374259.2 (MANE Select); coding-DNA position 226, A replaced by G.
Protein change: p.Arg76Gly; replaces arginine 76 with glycine.
Molecular consequence: missense variant. On other transcripts: non-coding transcript variant (2).
Genome position (GRCh38, 1-based): chr1:67,321,751, A>G. VCF-style: chr1-67321751-A-G. GRCh37 (hg19) VCF-style: chr1-67787434-A-G.
Other names: c.226A>G, p.Arg76Gly (NM_001258214.1, NM_001258215.1, NM_001258216.1 and 2 more transcripts); c.226A>G (NM_001559.2); short protein forms R76G.
Identifiers: ClinVar variation 1493730 (VCV001493730.9), dbSNP rs140508175, ClinGen allele CA900148.

ClinVar aggregate classification (germline): Uncertain significance. Review status: criteria provided, multiple submitters, no conflicts (2 of 4 stars). 2 submissions from 2 submitters: Uncertain significance (2). Last evaluated 2025-12-17.

Allele frequency attached by ClinVar (database versions not stated): ExAC 0.00021; gnomAD exomes 0.00027 and 0.00065; ESP Exome Variant Server 0.00031; TOPMed 0.00037; gnomAD 0.00039 and 0.00040.
gnomAD v4.1: 1,009 of 1,613,152 alleles (0.063%); highest among the groups gnomAD compares: Non-Finnish European, 0.08%; no homozygotes.

Submissions (2):

Labcorp Genetics (formerly Invitae), Labcorp
Classification: Uncertain significance. Last evaluated: 2025-12-17. Review status: criteria provided, single submitter. Criteria: Invitae Variant Classification Sherloc (09022015). Collection method: clinical testing. Allele origin: germline.
Comment: This sequence change replaces arginine, which is basic and polar, with glycine, which is neutral and non-polar, at codon 76 of the IL12RB2 protein (p.Arg76Gly). This variant is present in population databases (rs140508175, gnomAD 0.06%), and has an allele count higher than expected for a pathogenic variant. This variant has not been reported in the literature in individuals affected with IL12RB2-related conditions. ClinVar contains an entry for this variant (Variation ID: 1493730). An algorithm developed to predict the effect of missense changes on protein structure and function (PolyPhen-2) suggests that this variant is likely to be disruptive. In summary, the available evidence is currently insufficient to determine the role of this variant in disease. Therefore, it has been classified as a Variant of Uncertain Significance.

Ambry Genetics
Classification: Uncertain significance. Last evaluated: 2021-10-05. Review status: criteria provided, single submitter. Criteria: Ambry Variant Classification Scheme 2023. Collection method: clinical testing. Allele origin: germline.